The following is an entry in ClinVar:

NM_015311.3(OBSL1):c.1318G>A (p.Val440Ile)

Gene: OBSL1 (obscurin like cytoskeletal adaptor 1; minus strand). Cytogenetic location: 2q35.
Variant type: single nucleotide variant.
Coding change: c.1318G>A on transcript NM_015311.3 (MANE Select); coding-DNA position 1318, G replaced by A.
Protein change: p.Val440Ile; replaces valine 440 with isoleucine.
Molecular consequence: missense variant.
Genome position (GRCh38, 1-based): chr2:219,567,934, C>T on the plus strand (G>A on the coding strand, the complement: OBSL1 is on the minus strand). VCF-style: chr2-219567934-C-T. GRCh37 (hg19) VCF-style: chr2-220432656-C-T.
Other names: c.1318G>A, p.Val440Ile (NM_001173408.2, NM_001173431.2); short protein forms V440I.
Identifiers: ClinVar variation 287152 (VCV000287152.12), dbSNP rs202247360, ClinGen allele CA2131552.

ClinVar aggregate classification (germline): Uncertain significance. Review status: criteria provided, multiple submitters, no conflicts (2 of 4 stars). 4 submissions from 4 submitters: Uncertain significance (4). Last evaluated 2026-05-04.

Allele frequency attached by ClinVar (database versions not stated): gnomAD exomes 0.00028; gnomAD 0.00030; ExAC 0.00031; TOPMed 0.00031; ESP Exome Variant Server 0.00032.

Submissions (4):

Women's Health and Genetics/Laboratory Corporation of America, LabCorp
Classification: Uncertain significance. Last evaluated: 2026-05-04. Review status: criteria provided, single submitter. Criteria: LabCorp Variant Classification Summary - May 2015. Collection method: clinical testing. Allele origin: germline.
Comment: Variant summary: OBSL1 c.1318G>A (p.Val440Ile) results in a conservative amino acid change in the encoded protein sequence. Algorithms developed to predict the effect of missense changes on protein structure and function are either unavailable or do not agree on the potential impact of this missense change. The variant allele was found at a frequency of 0.00028 in 248642 control chromosomes. This frequency is not significantly higher than estimated for disease-causing variants in OBSL1, allowing no conclusion about variant significance. c.1318G>A has been observed in an individual affected with Three M Syndrome 2 who had a likely benign variant in trans (Kuperberg_2016). This report does not provide unequivocal conclusions about association of the variant with Three M Syndrome 2. To our knowledge, no experimental evidence demonstrating an impact on protein function has been reported. The following publication has been ascertained in the context of this evaluation (PMID: 27572814). Based on the evidence outlined above, the variant was classified as uncertain significance.

Blueprint Genetics
Classification: Uncertain significance. Last evaluated: 2024-10-21. Review status: criteria provided, single submitter. Criteria: ACMG Guidelines, 2015. Collection method: clinical testing. Allele origin: germline.

Labcorp Genetics (formerly Invitae), Labcorp
Classification: Uncertain significance. Last evaluated: 2024-01-22. Review status: criteria provided, single submitter. Criteria: Invitae Variant Classification Sherloc (09022015). Collection method: clinical testing. Allele origin: germline.
Comment: This sequence change replaces valine, which is neutral and non-polar, with isoleucine, which is neutral and non-polar, at codon 440 of the OBSL1 protein (p.Val440Ile). This variant is present in population databases (rs202247360, gnomAD 0.2%). This missense change has been observed in individual(s) with clinical features of 3-M syndrome (PMID: 27572814). ClinVar contains an entry for this variant (Variation ID: 287152). An algorithm developed to predict the effect of missense changes on protein structure and function (PolyPhen-2) suggests that this variant is likely to be disruptive. In summary, the available evidence is currently insufficient to determine the role of this variant in disease. Therefore, it has been classified as a Variant of Uncertain Significance.

Eurofins Ntd Llc (ga)
Classification: Uncertain significance. Last evaluated: 2016-03-31. Review status: criteria provided, single submitter. Criteria: EGL Classification Definitions 2015. Collection method: clinical testing. Allele origin: germline. Observed: 1 variant allele, 1 heterozygote.

Literature cited by the submitters: PubMed 27572814 (cited by Women's Health and Genetics/Laboratory Corporation of America, LabCorp and Labcorp Genetics (formerly Invitae), Labcorp).